The following is an entry in ClinVar:

NM_001164508.2(NEB):c.660del (p.Tyr221fs)

Gene: NEB (nebulin; minus strand). Cytogenetic location: 2q23.3.
Variant type: Deletion.
Coding change: c.660del on transcript NM_001164508.2 (MANE Select); coding-DNA position 660, one base deleted (C; older notation c.660delC).
Protein change: p.Tyr221fs; shifts the reading frame from tyrosine 221.
Molecular consequence: frameshift variant.
Genome position (GRCh38, 1-based): chr2:151,723,439, G deleted on the plus strand (C on the coding strand, the reverse complement: NEB is on the minus strand); the first of 4 consecutive G bases (chr2:151,723,439-151,723,442); deleting any one gives the same sequence. VCF-style (leftmost placement, unchanged base first): chr2-151723438-AG-A. GRCh37 (hg19) VCF-style: chr2-152579952-AG-A.
Other names: c.660del, p.Tyr221fs (NM_001164507.2, NM_001271208.2, NM_004543.5); short protein forms Y221fs.
Identifiers: ClinVar variation 1368540 (VCV001368540.6), dbSNP rs2150663206, ClinGen allele CA2573133632.

ClinVar aggregate classification (germline): Pathogenic (1 of 4 stars; one submission).

Conditions:
Nemaline myopathy 2 (NEM2). Also called: Nemaline myopathy 2, autosomal recessive. Identifiers: MedGen C1850569, MONDO:0009725, OMIM 256030.

Submission:

Labcorp Genetics (formerly Invitae), Labcorp
Classification: Pathogenic for Nemaline myopathy 2. Last evaluated: 2021-02-06. Review status: criteria provided, single submitter. Criteria: Invitae Variant Classification Sherloc (09022015). Collection method: clinical testing. Allele origin: germline.
Comment: For these reasons, this variant has been classified as Pathogenic. This variant has not been reported in the literature in individuals with NEB-related conditions. This variant is not present in population databases (ExAC no frequency). This sequence change creates a premature translational stop signal (p.Tyr221Ilefs*7) in the NEB gene. It is expected to result in an absent or disrupted protein product. Loss-of-function variants in NEB are known to be pathogenic (PMID: 25205138).

Literature cited by the submitters: PubMed 25205138.